The following is an entry in ClinVar:

ClinVar aggregate classification (germline): Pathogenic. Review status: criteria provided, multiple submitters, no conflicts (2 of 4 stars). 2 submissions from 2 submitters: Pathogenic (2). Last evaluated 2025-06-18.

Conditions:
Hereditary cancer-predisposing syndrome. Also called: Hereditary Cancer Syndrome; Neoplastic Syndromes, Hereditary; Tumor predisposition; Hereditary neoplastic syndrome. Identifiers: Orphanet 140162, MedGen C0027672, MeSH D009386, MONDO:0015356.
Familial cancer of breast. Also called: BREAST CANCER, FAMILIAL; Hereditary breast cancer; hereditary breast carcinoma. Identifiers: Orphanet 227535, MedGen C0346153, MONDO:0016419, OMIM 114480. Disease mechanism: loss of function.

Submissions (2):

Ambry Genetics
Classification: Pathogenic for Hereditary cancer-predisposing syndrome. Last evaluated: 2025-06-18. Review status: criteria provided, single submitter. Criteria: Ambry Variant Classification Scheme 2023. Collection method: clinical testing. Allele origin: germline.
Comment: The c.513delA pathogenic mutation, located in coding exon 4 of the BARD1 gene, results from a deletion of one nucleotide at nucleotide position 513, causing a translational frameshift with a predicted alternate stop codon (p.D172Mfs*40). This alteration is expected to result in loss of function by premature protein truncation or nonsense-mediated mRNA decay. As such, this alteration is interpreted as a disease-causing mutation.

Myriad Genetics, Inc.
Classification: Pathogenic for Familial cancer of breast. Last evaluated: 2023-05-19. Review status: criteria provided, single submitter. Criteria: Myriad Autosomal Dominant, Autosomal Recessive and X-Linked Classification Criteria (2023). Collection method: clinical testing. Allele origin: unknown.
Comment: This variant is considered pathogenic. This variant creates a frameshift predicted to result in premature protein truncation.

Literature cited by the submitters: PubMed 31036035 (cited by Ambry Genetics).

NM_000465.4(BARD1):c.513del (p.Asp172fs)

Gene: BARD1 (BRCA1 associated RING domain 1; minus strand). Cytogenetic location: 2q35.
Variant type: Deletion.
Coding change: c.513del on transcript NM_000465.4 (MANE Select); coding-DNA position 513, one base deleted (A; older notation c.513delA).
Protein change: p.Asp172fs; shifts the reading frame from aspartic acid 172.
Molecular consequence: frameshift variant. On other transcripts: non-coding transcript variant (2), intron variant (3).
Genome position (GRCh38, 1-based): chr2:214,781,361, T deleted on the plus strand (A on the coding strand, the reverse complement: BARD1 is on the minus strand); the first of 7 consecutive T bases (chr2:214,781,361-214,781,367); deleting any one gives the same sequence. VCF-style (leftmost placement, unchanged base first): chr2-214781360-CT-C. GRCh37 (hg19) VCF-style: chr2-215646084-CT-C.
Other names: c.456del, p.Asp153fs (NM_001282543.2); c.158+28051del (NM_001282548.2); c.215+15700del (NM_001282545.2); c.364+10936del (NM_001282549.2); short protein forms D153fs, D172fs.
Identifiers: ClinVar variation 1745599 (VCV001745599.5), dbSNP rs746325928, ClinGen allele CA645523531.